The following is an entry in ClinVar:

ClinVar aggregate classification (germline): Uncertain significance (1 of 4 stars; one submission).

Allele frequency attached by ClinVar (database versions not stated): gnomAD exomes below 0.00001.
gnomAD v4.1: 1 of 1,211,409 alleles (0.000083%); highest among the groups gnomAD compares: Non-Finnish European, 0.00011%; no homozygotes.

Submission:

Labcorp Genetics (formerly Invitae), Labcorp
Classification: Uncertain significance. Last evaluated: 2023-12-23. Review status: criteria provided, single submitter. Criteria: Invitae Variant Classification Sherloc (09022015). Collection method: clinical testing. Allele origin: germline.
Comment: This sequence change replaces glycine, which is neutral and non-polar, with glutamic acid, which is acidic and polar, at codon 437 of the NEXMIF protein (p.Gly437Glu). This variant is not present in population databases (gnomAD no frequency). This variant has not been reported in the literature in individuals affected with NEXMIF-related conditions. An algorithm developed to predict the effect of missense changes on protein structure and function (PolyPhen-2) suggests that this variant is likely to be tolerated. In summary, the available evidence is currently insufficient to determine the role of this variant in disease. Therefore, it has been classified as a Variant of Uncertain Significance.

NM_001008537.3(NEXMIF):c.1310G>A (p.Gly437Glu)

Gene: NEXMIF (neurite extension and migration factor; minus strand). Cytogenetic location: Xq13.3.
Variant type: single nucleotide variant.
Coding change: c.1310G>A on transcript NM_001008537.3 (MANE Select); coding-DNA position 1310, G replaced by A.
Protein change: p.Gly437Glu; replaces glycine 437 with glutamic acid.
Molecular consequence: missense variant.
Genome position (GRCh38, 1-based): chrX:74,743,247, C>T on the plus strand (G>A on the coding strand, the complement: NEXMIF is on the minus strand). VCF-style: chrX-74743247-C-T. GRCh37 (hg19) VCF-style: chrX-73963082-C-T.
Other names: short protein forms G437E.
Identifiers: ClinVar variation 2769750 (VCV002769750.3), dbSNP rs2519915531, ClinGen allele CA413670805.